The following is an entry in ClinVar:

ClinVar aggregate classification (germline): Uncertain significance. Review status: criteria provided, multiple submitters, no conflicts (2 of 4 stars). 10 submissions from 10 submitters: Uncertain significance (8). 2 of the submissions do not count toward it. Last evaluated 2026-10-01.

Conditions:
Spastic paraplegia. Identifiers: MedGen C0037772, HP:0001258.
Hereditary spastic paraplegia 15 (SPG15). Also called: SPASTIC PARAPLEGIA 15, AUTOSOMAL RECESSIVE; SPASTIC PARAPLEGIA AND RETINAL DEGENERATION; KJELLIN SYNDROME. Identifiers: Orphanet 100996, MedGen C1849128, MONDO:0010044, OMIM 270700.

Allele frequency attached by ClinVar (database versions not stated): 1000 Genomes Project 30x 0.00031; ExAC 0.00033; gnomAD exomes 0.00038 and 0.00074; 1000 Genomes Project 0.00040; gnomAD 0.00054 and 0.00056; TOPMed 0.00054; ESP Exome Variant Server 0.00062.
gnomAD v4.1: 1,164 of 1,613,106 alleles (0.072%); highest among the groups gnomAD compares: Non-Finnish European, 0.092%; no homozygotes.

Submissions (10):

CeGaT Center for Human Genetics Tuebingen
Classification: Uncertain significance. Last evaluated: 2026-10-01. Review status: criteria provided, single submitter. Criteria: CeGaT Center For Human Genetics Tuebingen Variant Classification Criteria Version 2. Collection method: clinical testing. Allele origin: germline. Affected: yes. Observed: 1 variant allele.
Comment: ZFYVE26: PM2, BP4

Mayo Clinic Laboratories, Mayo Clinic
Classification: Uncertain significance. Last evaluated: 2025-09-05. Review status: criteria provided, single submitter. Criteria: ACMG Guidelines, 2015. Collection method: clinical testing. Allele origin: germline. Observed: 5 variant alleles.
Comment: BP4

Blueprint Genetics
Classification: Uncertain significance. Last evaluated: 2024-11-21. Review status: criteria provided, single submitter. Criteria: ACMG Guidelines, 2015. Collection method: clinical testing. Allele origin: germline.

GeneDx
Classification: Uncertain significance. Last evaluated: 2024-07-21. Review status: criteria provided, single submitter. Criteria: GeneDx Variant Classification Process June 2021. Collection method: clinical testing. Allele origin: germline. Affected: yes.
Comment: In silico analysis indicates that this missense variant does not alter protein structure/function; Has not been previously published as pathogenic or benign to our knowledge

Women's Health and Genetics/Laboratory Corporation of America, LabCorp
Classification: Uncertain significance. Last evaluated: 2024-03-26. Review status: criteria provided, single submitter. Criteria: LabCorp Variant Classification Summary - May 2015. Collection method: clinical testing. Allele origin: germline.
Comment: Variant summary: ZFYVE26 c.5401G>A (p.Ala1801Thr) results in a non-conservative amino acid change in the encoded protein sequence. Three of five in-silico tools predict a benign effect of the variant on protein function. The variant allele was found at a frequency of 0.00038 in 249342 control chromosomes. This frequency does not allow conclusion about variant significance. To our knowledge, no occurrence of c.5401G>A in individuals affected with Hereditary Spastic Paraplegia 15 and no experimental evidence demonstrating its impact on protein function have been reported. ClinVar contains an entry for this variant (Variation ID: 241050). Based on the evidence outlined above, the variant was classified as uncertain significance.

Labcorp Genetics (formerly Invitae), Labcorp
Classification: Uncertain significance for Spastic paraplegia. Last evaluated: 2022-10-05. Review status: criteria provided, single submitter. Criteria: Invitae Variant Classification Sherloc (09022015). Collection method: clinical testing. Allele origin: germline.
Comment: This sequence change replaces alanine, which is neutral and non-polar, with threonine, which is neutral and polar, at codon 1801 of the ZFYVE26 protein (p.Ala1801Thr). This variant is present in population databases (rs138965635, gnomAD 0.07%). This variant has not been reported in the literature in individuals affected with ZFYVE26-related conditions. ClinVar contains an entry for this variant (Variation ID: 241050). Algorithms developed to predict the effect of missense changes on protein structure and function are either unavailable or do not agree on the potential impact of this missense change (SIFT: "Tolerated"; PolyPhen-2: "Possibly Damaging"; Align-GVGD: "Class C0"). In summary, the available evidence is currently insufficient to determine the role of this variant in disease. Therefore, it has been classified as a Variant of Uncertain Significance.

Fulgent Genetics
Classification: Uncertain significance for Hereditary spastic paraplegia 15. Last evaluated: 2021-12-16. Review status: criteria provided, single submitter. Criteria: ACMG Guidelines, 2015. Collection method: clinical testing. Allele origin: unknown.

Revvity Omics, Revvity
Classification: Uncertain significance for Hereditary spastic paraplegia 15. Last evaluated: 2021-04-16. Review status: criteria provided, single submitter. Criteria: ACMG Guidelines, 2015. Collection method: clinical testing. Allele origin: germline.

Clinical Genetics DNA and cytogenetics Diagnostics Lab, Erasmus MC, Erasmus Medical Center
Classification: Likely benign. Review status: no assertion criteria provided. Collection method: clinical testing. Allele origin: germline. Affected: yes. Study: VKGL Data-share Consensus. Not counted in ClinVar's aggregate classification.

Joint Genome Diagnostic Labs from Nijmegen and Maastricht, Radboudumc and MUMC+
Classification: Likely benign. Review status: no assertion criteria provided. Collection method: clinical testing. Allele origin: germline. Affected: yes. Study: VKGL Data-share Consensus. Not counted in ClinVar's aggregate classification.

NM_015346.4(ZFYVE26):c.5401G>A (p.Ala1801Thr)

Gene: ZFYVE26 (zinc finger FYVE-type containing 26; minus strand). Cytogenetic location: 14q24.1.
Variant type: single nucleotide variant.
Coding change: c.5401G>A on transcript NM_015346.4 (MANE Select); coding-DNA position 5401, G replaced by A.
Protein change: p.Ala1801Thr; replaces alanine 1801 with threonine.
Molecular consequence: missense variant.
Genome position (GRCh38, 1-based): chr14:67,772,130, C>T on the plus strand (G>A on the coding strand, the complement: ZFYVE26 is on the minus strand). VCF-style: chr14-67772130-C-T. GRCh37 (hg19) VCF-style: chr14-68238847-C-T.
Other names: p.Ala1801Thr; short protein forms A1801T.
Identifiers: ClinVar variation 241050 (VCV000241050.23), dbSNP rs138965635, ClinGen allele CA7239511.